The following is an entry in ClinVar:

ClinVar aggregate classification (germline): Uncertain significance (1 of 4 stars; one submission).

Submission:

GeneDx
Classification: Uncertain significance. Last evaluated: 2023-12-28. Review status: criteria provided, single submitter. Criteria: GeneDx Variant Classification Process June 2021. Collection method: clinical testing. Allele origin: germline. Affected: yes.
Comment: Not observed at significant frequency in large population cohorts (gnomAD); In silico analysis supports that this missense variant has a deleterious effect on protein structure/function; Has not been previously published as pathogenic or benign to our knowledge

NM_001190737.2(NFIB):c.804C>A (p.Ser268Arg)

Gene: NFIB (nuclear factor I B; minus strand). Cytogenetic location: 9p23.
Variant type: single nucleotide variant.
Coding change: c.804C>A on transcript NM_001190737.2 (MANE Select); coding-DNA position 804, C replaced by A.
Protein change: p.Ser268Arg; replaces serine 268 with arginine.
Molecular consequence: missense variant. On other transcripts: non-coding transcript variant (4).
Genome position (GRCh38, 1-based): chr9:14,150,147, G>T on the plus strand (C>A on the coding strand, the complement: NFIB is on the minus strand). VCF-style: chr9-14150147-G-T. GRCh37 (hg19) VCF-style: chr9-14150146-G-T.
Other names: c.882C>A, p.Ser294Arg (NM_001190738.2); c.48C>A, p.Ser16Arg (NM_001282787.2); c.870C>A, p.Ser290Arg (NM_001369458.1, NM_001369459.1, NM_001369462.1 and 1 more transcripts); c.792C>A, p.Ser264Arg (NM_001369460.1, NM_001369463.1, NM_001369466.1 and 2 more transcripts); c.804C>A, p.Ser268Arg (NM_001369461.1, NM_001369464.1, NM_001369471.1 and 2 more transcripts); c.777C>A, p.Ser259Arg (NM_001369465.1, NM_001369467.1, NM_001369476.1); c.660C>A, p.Ser220Arg (NM_001369469.1); c.567C>A, p.Ser189Arg (NM_001369470.1, NM_001369478.1); and 4 more; short protein forms S16R, S189R, S193R, S220R, S250R, S259R, S263R, S264R.
Identifiers: ClinVar variation 3370244 (VCV003370244.1).